The following is an entry in ClinVar:

NM_000256.3(MYBPC3):c.2425G>A (p.Glu809Lys)

Gene: MYBPC3 (myosin binding protein C3; minus strand). Cytogenetic location: 11p11.2.
Variant type: single nucleotide variant.
Coding change: c.2425G>A on transcript NM_000256.3 (MANE Select); coding-DNA position 2425, G replaced by A.
Protein change: p.Glu809Lys; replaces glutamic acid 809 with lysine.
Molecular consequence: missense variant.
Genome position (GRCh38, 1-based): chr11:47,337,568, C>T on the plus strand (G>A on the coding strand, the complement: MYBPC3 is on the minus strand). VCF-style: chr11-47337568-C-T. GRCh37 (hg19) VCF-style: chr11-47359119-C-T.
Other names: c.2425G>A, p.Glu809Lys (LRG_386t1); short protein forms E809K.
Identifiers: ClinVar variation 658657 (VCV000658657.10), dbSNP rs1595843772, ClinGen allele CA380318521.

ClinVar aggregate classification (germline): Uncertain significance. Review status: criteria provided, multiple submitters, no conflicts (2 of 4 stars). 3 submissions from 3 submitters: Uncertain significance (3). Last evaluated 2026-07-17.

Conditions:
Hypertrophic cardiomyopathy. Also called: HYPERTROPHIC MYOCARDIOPATHY. Identifiers: Orphanet 217569, MedGen C0007194, MeSH D002312, MONDO:0005045, HP:0001639.
Cardiovascular phenotype. Identifiers: MedGen CN230736.

Submissions (3):

Ambry Genetics
Classification: Uncertain significance for Cardiovascular phenotype. Last evaluated: 2026-07-17. Review status: criteria provided, single submitter. Criteria: Ambry Variant Classification Scheme 2023. Collection method: clinical testing. Allele origin: germline.
Comment: The p.E809K variant (also known as c.2425G>A), located in coding exon 25 of the MYBPC3 gene, results from a G to A substitution at nucleotide position 2425. The glutamic acid at codon 809 is replaced by lysine, an amino acid with similar properties. This amino acid position is conserved. In addition, this alteration is predicted to be deleterious by in silico analysis. Based on the available evidence, the clinical significance of this variant remains unclear.

All of Us Research Program, National Institutes of Health
Classification: Uncertain significance for Hypertrophic cardiomyopathy. Last evaluated: 2023-11-20. Review status: criteria provided, single submitter. Criteria: ACMG Guidelines, 2015. Collection method: clinical testing. Allele origin: germline. Inheritance: Autosomal dominant inheritance. Observed: 1 variant allele, 1 heterozygote.
Comment: This missense variant replaces glutamic acid with lysine at codon 809 of the MYBPC3 protein. Computational prediction tool is inconclusive regarding the impact of this variant on protein structure and function (internally defined REVEL score threshold 0.4 < inconclusive < 0.8, PMID: 27666373). To our knowledge, functional studies have not been reported for this variant. This variant has not been reported in individuals affected with MYBPC3-related disorders in the literature. This variant has not been identified in the general population by the Genome Aggregation Database (gnomAD). The available evidence is insufficient to determine the role of this variant in disease conclusively. Therefore, this variant is classified as a Variant of Uncertain Significance.

This study involves interpretation of variants in research participants for the purpose of population health screening. Participant phenotype was not available at the time of variant classification. Additional details can be found in publication PMID: 35346344, PMCID: PMC8962531

Labcorp Genetics (formerly Invitae), Labcorp
Classification: Uncertain significance for Hypertrophic cardiomyopathy. Last evaluated: 2018-08-20. Review status: criteria provided, single submitter. Criteria: Invitae Variant Classification Sherloc (09022015). Collection method: clinical testing. Allele origin: germline.
Comment: In summary, the available evidence is currently insufficient to determine the role of this variant in disease. Therefore, it has been classified as a Variant of Uncertain Significance. Algorithms developed to predict the effect of missense changes on protein structure and function (SIFT, PolyPhen-2, Align-GVGD) all suggest that this variant is likely to be disruptive, but these predictions have not been confirmed by published functional studies and their clinical significance is uncertain. This variant has not been reported in the literature in individuals with MYBPC3-related disease. This variant is not present in population databases (ExAC no frequency). This sequence change replaces glutamic acid with lysine at codon 809 of the MYBPC3 protein (p.Glu809Lys). The glutamic acid residue is highly conserved and there is a small physicochemical difference between glutamic acid and lysine.